The following is an entry in ClinVar:

NM_198253.3(TERT):c.1993C>T (p.Leu665Phe)

Gene: TERT (telomerase reverse transcriptase; minus strand). Cytogenetic location: 5p15.33.
Variant type: single nucleotide variant.
Coding change: c.1993C>T on transcript NM_198253.3 (MANE Select); coding-DNA position 1993, C replaced by T.
Protein change: p.Leu665Phe; replaces leucine 665 with phenylalanine.
Molecular consequence: missense variant. On other transcripts: non-coding transcript variant (2).
Genome position (GRCh38, 1-based): chr5:1,279,428, G>A on the plus strand (C>T on the coding strand, the complement: TERT is on the minus strand). VCF-style: chr5-1279428-G-A. GRCh37 (hg19) VCF-style: chr5-1279543-G-A.
Other names: c.1993C>T, p.Leu665Phe (NM_001193376.3); short protein forms L665F.
Identifiers: ClinVar variation 3344162 (VCV003344162.1).
Genomic context (GRCh38, chr5:1,279,428, plus strand): 5'-CGTCCAGGCCCAGCACAGAGGCGCCCAGGAGGCCGGGGCGCCGCGCCCGCTCGTAGTTGA[G>A]CACGCTGAACAGTGCCTTCACCCTCGAGGTGAGACGCTCGGCCTGGCGGGGACAGCATGG-3'
Protein context (NP_937983.2, residues 655-675): TSRVKALFSV[Leu665Phe]NYERARRPGL

ClinVar aggregate classification (germline): Uncertain significance (0 of 4 stars; one submission).

Conditions:
TERT-related disorder. Also called: TERT-related condition; TERT-related disorders.

Submission:

PreventionGenetics, part of Exact Sciences
Classification: Uncertain significance for TERT-related condition. Last evaluated: 2024-07-10. Review status: no assertion criteria provided. Collection method: clinical testing. Allele origin: germline.
Comment: The TERT c.1993C>T variant is predicted to result in the amino acid substitution p.Leu665Phe. To our knowledge, this variant has not been reported in the literature or in a large population database, indicating this variant is rare. At this time, the clinical significance of this variant is uncertain due to the absence of conclusive functional and genetic evidence.